The following is an entry in ClinVar:

NM_172240.3(POC1B):c.1332+5G>A

Genes: POC1B (POC1 centriolar protein B; minus strand), POC1B-DUSP6 (POC1B-DUSP6 readthrough; minus strand). Cytogenetic location: 12q21.33.
Variant type: single nucleotide variant.
Coding change: c.1332+5G>A on transcript NM_172240.3 (MANE Select); 5 bases into the intron after coding-DNA position 1332, G replaced by A.
Molecular consequence: intron variant.
Genome position (GRCh38, 1-based): chr12:89,425,156, C>T on the plus strand (G>A on the coding strand, the complement: POC1B is on the minus strand). VCF-style: chr12-89425156-C-T. GRCh37 (hg19) VCF-style: chr12-89818933-C-T.
Other names: c.1206+5G>A (NM_001199777.2).
Identifiers: ClinVar variation 1172722 (VCV001172722.7), dbSNP rs1452525918, ClinGen allele CA606676032.

ClinVar aggregate classification (germline): Conflicting classifications of pathogenicity. Review status: criteria provided, conflicting classifications (1 of 4 stars). 2 submissions from 2 submitters: Pathogenic (1); Uncertain significance (1). Last evaluated 2023-11-06.

Conditions:
Cone-rod dystrophy 20 (CORD20). Identifiers: Orphanet 1872, MedGen C4014856, MONDO:0014427, OMIM 615973.

Allele frequency attached by ClinVar (database versions not stated): gnomAD exomes below 0.00001; gnomAD 0.00001.
gnomAD v4.1: 3 of 1,613,518 alleles (0.00019%); no homozygotes.

Submissions (2):

Labcorp Genetics (formerly Invitae), Labcorp
Classification: Pathogenic. Last evaluated: 2023-11-06. Review status: criteria provided, single submitter. Criteria: Invitae Variant Classification Sherloc (09022015). Collection method: clinical testing. Allele origin: germline.
Comment: This sequence change falls in intron 11 of the POC1B gene. It does not directly change the encoded amino acid sequence of the POC1B protein. It affects a nucleotide within the consensus splice site. This variant is present in population databases (no rsID available, gnomAD 0.004%). This variant has been observed in individual(s) with cone-rod dystrophy (PMID: 32244552; Invitae). In at least one individual the data is consistent with being in trans (on the opposite chromosome) from a pathogenic variant. It has also been observed to segregate with disease in related individuals. ClinVar contains an entry for this variant (Variation ID: 1172722). Variants that disrupt the consensus splice site are a relatively common cause of aberrant splicing (PMID: 17576681, 9536098). Algorithms developed to predict the effect of sequence changes on RNA splicing suggest that this variant may disrupt the consensus splice site. For these reasons, this variant has been classified as Pathogenic.

DBGen Ocular Genomics
Classification: Uncertain significance for Cone-rod dystrophy 20. Last evaluated: 2021-05-25. Review status: criteria provided, single submitter. Criteria: ACMG Guidelines, 2015. Collection method: clinical testing. Allele origin: germline. Affected: yes. Observed: 1 variant allele.

Literature cited by the submitters: PubMed 32244552 (cited by Labcorp Genetics (formerly Invitae), Labcorp); PubMed 17576681 (cited by Labcorp Genetics (formerly Invitae), Labcorp); PubMed 9536098 (cited by Labcorp Genetics (formerly Invitae), Labcorp).